The following is an entry in ClinVar:

ClinVar aggregate classification (germline): Uncertain significance (1 of 4 stars; one submission).

Submission:

CeGaT Center for Human Genetics Tuebingen
Classification: Uncertain significance. Last evaluated: 2025-06-01. Review status: criteria provided, single submitter. Criteria: CeGaT Center For Human Genetics Tuebingen Variant Classification Criteria Version 2. Collection method: clinical testing. Allele origin: germline. Affected: yes. Observed: 1 variant allele.
Comment: PHKA2: PM2

NM_000292.3(PHKA2):c.2537C>G (p.Ser846Trp)

Gene: PHKA2 (phosphorylase kinase regulatory subunit alpha 2; minus strand). Cytogenetic location: Xp22.13.
Variant type: single nucleotide variant.
Coding change: c.2537C>G on transcript NM_000292.3 (MANE Select); coding-DNA position 2537, C replaced by G.
Protein change: p.Ser846Trp; replaces serine 846 with tryptophan.
Molecular consequence: missense variant.
Genome position (GRCh38, 1-based): chrX:18,907,078, G>C on the plus strand (C>G on the coding strand, the complement: PHKA2 is on the minus strand). VCF-style: chrX-18907078-G-C. GRCh37 (hg19) VCF-style: chrX-18925196-G-C.
Other names: c.2537C>G, p.Ser846Trp (NM_001440800.1, NM_001440801.1, NM_001440805.1); c.2438C>G, p.Ser813Trp (NM_001440802.1, NM_001440803.1, NM_001440804.1); short protein forms S813W, S846W.
Identifiers: ClinVar variation 4085228 (VCV004085228.8).